The following is an entry in ClinVar:

NM_003673.4(TCAP):c.473G>T (p.Arg158Leu)

Gene: TCAP (titin-cap; plus strand). Cytogenetic location: 17q12.
Variant type: single nucleotide variant.
Coding change: c.473G>T on transcript NM_003673.4 (MANE Select); coding-DNA position 473, G replaced by T.
Protein change: p.Arg158Leu; replaces arginine 158 with leucine.
Molecular consequence: missense variant.
Genome position (GRCh38, 1-based): chr17:39,666,078, G>T. VCF-style: chr17-39666078-G-T. GRCh37 (hg19) VCF-style: chr17-37822331-G-T.
Other names: short protein forms R158L.
Identifiers: ClinVar variation 1004753 (VCV001004753.9), dbSNP rs397516864, ClinGen allele CA399306060.

ClinVar aggregate classification (germline): Uncertain significance (1 of 4 stars; one submission).

Conditions:
Primary familial hypertrophic cardiomyopathy (HCM). Identifiers: Orphanet 99739, MedGen C0949658, MeSH D024741, MONDO:0024573. Inheritance: Various modes of inheritance.
Hypertrophic cardiomyopathy 25 (CMH25). Also called: CARDIOMYOPATHY, FAMILIAL HYPERTROPHIC, 25. Identifiers: MedGen C4225408, MONDO:0011843, OMIM 607487.

Submission:

Labcorp Genetics (formerly Invitae), Labcorp
Classification: Uncertain significance for Hypertrophic cardiomyopathy 25; Primary familial hypertrophic cardiomyopathy. Last evaluated: 2023-04-25. Review status: criteria provided, single submitter. Criteria: Invitae Variant Classification Sherloc (09022015). Collection method: clinical testing. Allele origin: germline.
Comment: In summary, the available evidence is currently insufficient to determine the role of this variant in disease. Therefore, it has been classified as a Variant of Uncertain Significance. This variant disrupts the p.Arg158 amino acid residue in TCAP. Other variant(s) that disrupt this residue have been determined to be pathogenic (PMID: 26084686, 27532257; Invitae). This suggests that this residue is clinically significant, and that variants that disrupt this residue are likely to be disease-causing. An algorithm developed to predict the effect of missense changes on protein structure and function (PolyPhen-2) suggests that this variant is likely to be disruptive. ClinVar contains an entry for this variant (Variation ID: 1004753). This variant has not been reported in the literature in individuals affected with TCAP-related conditions. This variant is not present in population databases (gnomAD no frequency). This sequence change replaces arginine, which is basic and polar, with leucine, which is neutral and non-polar, at codon 158 of the TCAP protein (p.Arg158Leu).

Literature cited by the submitters: PubMed 26084686; PubMed 27532257.